The following is an entry in ClinVar:

ClinVar aggregate classification (germline): Uncertain significance (1 of 4 stars; one submission).

Conditions:
Bloom syndrome (BLM). Also called: Bloom-Torre-Machacek syndrome. Identifiers: Orphanet 125, MedGen C0005859, MONDO:0008876, OMIM 210900.

Submission:

Labcorp Genetics (formerly Invitae), Labcorp
Classification: Uncertain significance for Bloom syndrome. Last evaluated: 2024-09-16. Review status: criteria provided, single submitter. Criteria: Invitae Variant Classification Sherloc (09022015). Collection method: clinical testing. Allele origin: germline.
Comment: This sequence change replaces lysine, which is basic and polar, with asparagine, which is neutral and polar, at codon 1176 of the BLM protein (p.Lys1176Asn). This variant is not present in population databases (gnomAD no frequency). This variant has not been reported in the literature in individuals affected with BLM-related conditions. Invitae Evidence Modeling of protein sequence and biophysical properties (such as structural, functional, and spatial information, amino acid conservation, physicochemical variation, residue mobility, and thermodynamic stability) indicates that this missense variant is not expected to disrupt BLM protein function with a negative predictive value of 80%. In summary, the available evidence is currently insufficient to determine the role of this variant in disease. Therefore, it has been classified as a Variant of Uncertain Significance.

NM_000057.4(BLM):c.3528A>C (p.Lys1176Asn)

Gene: BLM (BLM RecQ like helicase; plus strand). Cytogenetic location: 15q26.1.
Variant type: single nucleotide variant.
Coding change: c.3528A>C on transcript NM_000057.4 (MANE Select); coding-DNA position 3528, A replaced by C.
Protein change: p.Lys1176Asn; replaces lysine 1176 with asparagine.
Molecular consequence: missense variant. On other transcripts: intron variant (1).
Genome position (GRCh38, 1-based): chr15:90,803,690, A>C. VCF-style: chr15-90803690-A-C. GRCh37 (hg19) VCF-style: chr15-91346920-A-C.
Other names: c.3528A>C, p.Lys1176Asn (NM_001287246.2); c.2403A>C, p.Lys801Asn (NM_001287248.2); c.3358+5353A>C (NM_001287247.2); short protein forms K1176N, K801N.
Identifiers: ClinVar variation 3626900 (VCV003626900.2).
Genomic context (GRCh38, chr15:90,803,690, plus strand): 5'-TGAAGACTTATATATCAATGCCAATGACCAGGCGATCGCTTATGTGATGCTCGGAAATAA[A>C]GCCCAAACTGTACTAAATGGCAATTTAAAGGTATAGTATTTTTCATGTTTATTTTATTAT-3'
Protein context (NP_000048.1, residues 1166-1186): QAIAYVMLGN[Lys1176Asn]AQTVLNGNLK